The following is an entry in ClinVar:

NM_001365999.1(SZT2):c.10154C>T (p.Thr3385Met)

Gene: SZT2 (SZT2 subunit of KICSTOR complex; plus strand). Cytogenetic location: 1p34.2.
Variant type: single nucleotide variant.
Coding change: c.10154C>T on transcript NM_001365999.1 (MANE Select); coding-DNA position 10154, C replaced by T.
Protein change: p.Thr3385Met; replaces threonine 3385 with methionine.
Molecular consequence: missense variant.
Genome position (GRCh38, 1-based): chr1:43,450,170, C>T. VCF-style: chr1-43450170-C-T. GRCh37 (hg19) VCF-style: chr1-43915841-C-T.
Other names: c.9983C>T, p.Thr3328Met (NM_015284.4); short protein forms T3328M, T3385M.
Identifiers: ClinVar variation 1019007 (VCV001019007.7), dbSNP rs563977596, ClinGen allele CA811096.

ClinVar aggregate classification (germline): Uncertain significance (1 of 4 stars; one submission).

Allele frequency attached by ClinVar (database versions not stated): gnomAD 0.00001; gnomAD exomes 0.00001; ExAC 0.00002; TOPMed 0.00002; 1000 Genomes Project 30x 0.00016; 1000 Genomes Project 0.00020.
gnomAD v4.1: 21 of 1,614,140 alleles (0.0013%); highest among the groups gnomAD compares: East Asian, 0.0045%; no homozygotes.

Submission:

Labcorp Genetics (formerly Invitae), Labcorp
Classification: Uncertain significance. Last evaluated: 2021-12-24. Review status: criteria provided, single submitter. Criteria: Invitae Variant Classification Sherloc (09022015). Collection method: clinical testing. Allele origin: germline.
Comment: In summary, the available evidence is currently insufficient to determine the role of this variant in disease. Therefore, it has been classified as a Variant of Uncertain Significance. Algorithms developed to predict the effect of missense changes on protein structure and function are either unavailable or do not agree on the potential impact of this missense change (SIFT: "Tolerated"; PolyPhen-2: "Probably Damaging"; Align-GVGD: "Class C15"). ClinVar contains an entry for this variant (Variation ID: 1019007). This variant has not been reported in the literature in individuals affected with SZT2-related conditions. This variant is present in population databases (rs563977596, gnomAD 0.006%). This sequence change replaces threonine, which is neutral and polar, with methionine, which is neutral and non-polar, at codon 3328 of the SZT2 protein (p.Thr3328Met).